The following is an entry in ClinVar:

ClinVar aggregate classification (germline): Uncertain significance. Review status: criteria provided, multiple submitters, no conflicts (2 of 4 stars). 2 submissions from 2 submitters: Uncertain significance (2). Last evaluated 2025-08-22.

Allele frequency attached by ClinVar (database versions not stated): gnomAD 0.00001; TOPMed 0.00002.
gnomAD v4.1: 19 of 1,605,806 alleles (0.0012%); highest among the groups gnomAD compares: African/African-American, 0.004%; no homozygotes.

Submissions (2):

Ambry Genetics
Classification: Uncertain significance. Last evaluated: 2025-08-22. Review status: criteria provided, single submitter. Criteria: Ambry Variant Classification Scheme 2023. Collection method: clinical testing. Allele origin: germline.

Labcorp Genetics (formerly Invitae), Labcorp
Classification: Uncertain significance. Last evaluated: 2024-07-25. Review status: criteria provided, single submitter. Criteria: Invitae Variant Classification Sherloc (09022015). Collection method: clinical testing. Allele origin: germline.
Comment: This sequence change replaces glutamine, which is neutral and polar, with glutamic acid, which is acidic and polar, at codon 373 of the PLEKHM2 protein (p.Gln373Glu). This variant is present in population databases (rs778344771, gnomAD 0.007%). This variant has not been reported in the literature in individuals affected with PLEKHM2-related conditions. ClinVar contains an entry for this variant (Variation ID: 1446222). An algorithm developed to predict the effect of missense changes on protein structure and function (PolyPhen-2) suggests that this variant is likely to be tolerated. In summary, the available evidence is currently insufficient to determine the role of this variant in disease. Therefore, it has been classified as a Variant of Uncertain Significance.

NM_015164.4(PLEKHM2):c.1117C>G (p.Gln373Glu)

Gene: PLEKHM2 (pleckstrin homology and RUN domain containing M2; plus strand). Cytogenetic location: 1p36.21.
Variant type: single nucleotide variant.
Coding change: c.1117C>G on transcript NM_015164.4 (MANE Select); coding-DNA position 1117, C replaced by G.
Protein change: p.Gln373Glu; replaces glutamine 373 with glutamic acid.
Molecular consequence: missense variant.
Genome position (GRCh38, 1-based): chr1:15,727,189, C>G. VCF-style: chr1-15727189-C-G. GRCh37 (hg19) VCF-style: chr1-16053684-C-G.
Other names: c.1117C>G (NM_015164.2); short protein forms Q373E.
Identifiers: ClinVar variation 1446222 (VCV001446222.9), dbSNP rs778344771, ClinGen allele CA616865.
Genomic context (GRCh38, chr1:15,727,189, plus strand): 5'-AGCCGCAACGGCAGCCCAAGCCTTGGGCGGGACTCGCCAGACACTATGCTTGCCTCCCCC[C>G]AGGAGGAGGGAGAGGGGCCGAGCAGCACCACGGAGAGCAGCGAGCGCTCCGAGCCGGGCC-3'
Protein context (NP_055979.2, residues 363-383): DSPDTMLASP[Gln373Glu]EEGEGPSSTT